The following is an entry in ClinVar:

NM_022356.4(P3H1):c.1224-80G>A

Gene: P3H1 (prolyl 3-hydroxylase 1; minus strand). Cytogenetic location: 1p34.2.
Variant type: single nucleotide variant.
Coding change: c.1224-80G>A on transcript NM_022356.4 (MANE Select); 80 bases into the intron before coding-DNA position 1224, G replaced by A.
Molecular consequence: intron variant.
Genome position (GRCh38, 1-based): chr1:42,755,070, C>T on the plus strand (G>A on the coding strand, the complement: P3H1 is on the minus strand). VCF-style: chr1-42755070-C-T. GRCh37 (hg19) VCF-style: chr1-43220741-C-T.
Other names: c.1224-80G>A (NM_001146289.2, NM_001243246.2).
Identifiers: ClinVar variation 4536695 (VCV004536695.1).

ClinVar aggregate classification (germline): Likely pathogenic (1 of 4 stars; one submission).

Conditions:
Osteogenesis imperfecta (OI). Identifiers: Orphanet 666, MedGen C0029434, MeSH D010013, MONDO:0019019.

Submission:

Women's Health and Genetics/Laboratory Corporation of America, LabCorp
Classification: Likely pathogenic for Osteogenesis imperfecta. Last evaluated: 2025-11-14. Review status: criteria provided, single submitter. Criteria: LabCorp Variant Classification Summary - May 2015. Collection method: clinical testing. Allele origin: germline.
Comment: Variant summary: P3H1 c.1224-80G>A is located at a position not widely known to affect splicing. Several computational tools predict a significant impact on normal splicing: Two predict the variant creates a cryptic 5' donor site. One predict the variant strengthens a cryptic 5' donor site. At least one publication reports experimental evidence that this variant affects mRNA splicing (Wai_2020). The variant was absent in 251292 control chromosomes. c.1224-80G>A has been observed in individual(s) affected with Osteogenesis Imperfecta (example: Wai_2020). The following publications have been ascertained in the context of this evaluation (PMID: 32123317, 39252027). No submitters have cited clinical-significance assessments for this variant to ClinVar. Based on the evidence outlined above, the variant was classified as likely pathogenic.

Literature cited by the submitters: PubMed 32123317; PubMed 39252027.